The following is an entry in ClinVar:

NM_000388.4(CASR):c.2063T>C (p.Phe688Ser)

Gene: CASR (calcium sensing receptor; plus strand). Cytogenetic location: 3q21.1.
Variant type: single nucleotide variant.
Coding change: c.2063T>C on transcript NM_000388.4 (MANE Select); coding-DNA position 2063, T replaced by C.
Protein change: p.Phe688Ser; replaces phenylalanine 688 with serine.
Molecular consequence: missense variant.
Genome position (GRCh38, 1-based): chr3:122,284,017, T>C. VCF-style: chr3-122284017-T-C. GRCh37 (hg19) VCF-style: chr3-122002864-T-C.
Other names: c.2093T>C, p.Phe698Ser (NM_001178065.2); short protein forms F688S, F698S.
Identifiers: ClinVar variation 2944421 (VCV002944421.3), dbSNP rs758712301, ClinGen allele CA354158412.
Genomic context (GRCh38, chr3:122,284,017, plus strand): 5'-TCATCGGGGAGCCCCAGGACTGGACGTGCCGCCTGCGCCAGCCGGCCTTTGGCATCAGCT[T>C]CGTGCTCTGCATCTCATGCATCCTGGTGAAAACCAACCGTGTCCTCCTGGTGTTTGAGGC-3'
Protein context (NP_000379.3, residues 678-698): RLRQPAFGIS[Phe688Ser]VLCISCILVK

ClinVar aggregate classification (germline): Uncertain significance (1 of 4 stars; one submission).

Conditions:
Autosomal dominant hypocalcemia 1 (HYPOC1). Also called: HYPOCALCEMIA, FAMILIAL. Identifiers: MedGen C3715128, MONDO:0011013, OMIM 601198.
Familial hypocalciuric hypercalcemia (FHH). Also called: Familial benign hypercalcemia. Identifiers: Orphanet 405, MedGen C1809471, MONDO:0018458.

Submission:

Labcorp Genetics (formerly Invitae), Labcorp
Classification: Uncertain significance for Familial hypocalciuric hypercalcemia; Autosomal dominant hypocalcemia 1. Last evaluated: 2023-02-16. Review status: criteria provided, single submitter. Criteria: Invitae Variant Classification Sherloc (09022015). Collection method: clinical testing. Allele origin: germline.
Comment: This sequence change replaces phenylalanine, which is neutral and non-polar, with serine, which is neutral and polar, at codon 688 of the CASR protein (p.Phe688Ser). This variant is not present in population databases (gnomAD no frequency). This variant has not been reported in the literature in individuals affected with CASR-related conditions. An algorithm developed to predict the effect of missense changes on protein structure and function (PolyPhen-2) suggests that this variant is likely to be disruptive. In summary, the available evidence is currently insufficient to determine the role of this variant in disease. Therefore, it has been classified as a Variant of Uncertain Significance.